The following is an entry in ClinVar:

ClinVar aggregate classification (germline): Pathogenic (0 of 4 stars; one submission).

Conditions:
Fanconi anemia complementation group A (FANCA). Also called: Fanconi anemia, group A; FANCA-Related Fanconi Anemia. Identifiers: Orphanet 84, MedGen C3469521, MONDO:0009215, OMIM 227650.

Submission:

Leiden Open Variation Database
Classification: Pathogenic for Fanconi anemia complementation group A. Last evaluated: 2020-02-28. Review status: no assertion criteria provided. Collection method: curation. Allele origin: germline. Affected: yes.
Comment: Curator: Arleen D. Auerbach. Submitter to LOVD: Arleen D. Auerbach.

Literature cited by the submitters: PubMed 10521298.

NM_000135.4(FANCA):c.1566+3A>C

Gene: FANCA (FA complementation group A; minus strand). Cytogenetic location: 16q24.3.
Variant type: single nucleotide variant.
Coding change: c.1566+3A>C on transcript NM_000135.4 (MANE Select); 3 bases into the intron after coding-DNA position 1566, A replaced by C.
Molecular consequence: intron variant.
Genome position (GRCh38, 1-based): chr16:89,783,004, T>G on the plus strand (A>C on the coding strand, the complement: FANCA is on the minus strand). VCF-style: chr16-89783004-T-G. GRCh37 (hg19) VCF-style: chr16-89849412-T-G.
Other names: c.1566+3A>C (NM_001286167.3).
Identifiers: ClinVar variation 974315 (VCV000974315.1), dbSNP rs2039773398, ClinGen allele CA1139665027.
Genomic context (GRCh38, chr16:89,783,004, plus strand): 5'-CAAGAAAACAAAGCAGTTTCTGCTGGGACAGGTGTGAGGAGTGGGCATGGAGGGACAGCT[T>G]GCCTTGAGGTCGGCCAGCCGTGTCTTGGCCAATGAGATGTAGTCTGTGAGGAGGGAGCGG-3'